The following is an entry in ClinVar:

NM_015100.4(POGZ):c.2571-1G>C

Gene: POGZ (pogo transposable element derived with ZNF domain; minus strand). Cytogenetic location: 1q21.3.
Variant type: single nucleotide variant.
Coding change: c.2571-1G>C on transcript NM_015100.4 (MANE Select); the canonical splice acceptor site of the intron before coding-DNA position 2571, G replaced by C.
Molecular consequence: splice acceptor variant.
Genome position (GRCh38, 1-based): chr1:151,406,465, C>G on the plus strand (G>C on the coding strand, the complement: POGZ is on the minus strand). VCF-style: chr1-151406465-C-G. GRCh37 (hg19) VCF-style: chr1-151378941-C-G.
Other names: c.2385-1G>C (NM_001194938.2); c.2286-1G>C (NM_145796.4); c.2544-1G>C (NM_001194937.2); c.2592-1G>C (NM_001410860.1); c.2412-1G>C (NM_207171.2).
Identifiers: ClinVar variation 1053486 (VCV001053486.2), dbSNP rs2102151525, ClinGen allele CA341950268.

ClinVar aggregate classification (germline): Uncertain significance (1 of 4 stars; one submission).

Submission:

Labcorp Genetics (formerly Invitae), Labcorp
Classification: Uncertain significance. Last evaluated: 2020-07-30. Review status: criteria provided, single submitter. Criteria: Invitae Variant Classification Sherloc (09022015). Collection method: clinical testing. Allele origin: germline.
Comment: This sequence change affects an acceptor splice site in the last intron (intron 18) of the POGZ gene. While this is not anticipated to result in nonsense mediated decay, it likely alters RNA splicing and results in a disrupted protein product. This variant is not present in population databases (ExAC no frequency). This variant has not been reported in the literature in individuals with POGZ-related conditions. Nucleotide substitutions within the consensus splice site are a relatively common cause of aberrant splicing (PMID: 17576681, 9536098). Algorithms developed to predict the effect of sequence changes on RNA splicing suggest that this variant may disrupt the consensus splice site, but this prediction has not been confirmed by published transcriptional studies. In summary, the available evidence is currently insufficient to determine the role of this variant in disease. Therefore, it has been classified as a Variant of Uncertain Significance.

Literature cited by the submitters: PubMed 17576681; PubMed 9536098.